The following is an entry in ClinVar:

NM_000719.7(CACNA1C):c.5064C>T (p.Ser1688=)

Genes: CACNA1C (calcium voltage-gated channel subunit alpha1 C; plus strand), CACNA1C-AS1 (CACNA1C antisense RNA 1; minus strand). Cytogenetic location: 12p13.33.
Variant type: single nucleotide variant.
Coding change: c.5064C>T on transcript NM_000719.7 (MANE Select); coding-DNA position 5064, C replaced by T.
Protein change: p.Ser1688=; no amino-acid change (serine 1688 retained).
Molecular consequence: synonymous variant. On other transcripts: non-coding transcript variant (1).
Genome position (GRCh38, 1-based): chr12:2,677,840, C>T. VCF-style: chr12-2677840-C-T. GRCh37 (hg19) VCF-style: chr12-2787006-C-T.
Other names: p.S1688S:TCC>TCT; c.5208C>T, p.Ser1736= (NM_001129827.2, NM_199460.4); c.5187C>T, p.Ser1729= (NM_001129829.2); c.5064C>T, p.Ser1688= (NM_001129830.3, NM_001129840.2, NM_001129841.2 and 4 more transcripts); c.5148C>T, p.Ser1716= (NM_001129831.2); c.5124C>T, p.Ser1708= (NM_001129832.2); c.5121C>T, p.Ser1707= (NM_001129833.2, NM_001129834.2, NM_001129835.2); c.5115C>T, p.Ser1705= (NM_001129836.2); and 4 more.
Identifiers: ClinVar variation 136630 (VCV000136630.26), dbSNP rs139872789, ClinGen allele CA289877.

ClinVar aggregate classification (germline): Benign. Review status: criteria provided, multiple submitters, no conflicts (2 of 4 stars). 7 submissions from 7 submitters: Benign (7). Last evaluated 2026-02-03.

Conditions:
Cardiovascular phenotype. Identifiers: MedGen CN230736.
Long QT syndrome (LQTS). Identifiers: MedGen C0023976, MeSH D008133, MONDO:0002442. Disease mechanism: loss of function. Inheritance: Various modes of inheritance.

Allele frequency attached by ClinVar (database versions not stated): gnomAD exomes 0.00044 and 0.00116; ExAC 0.00134; ESP Exome Variant Server 0.00354; 1000 Genomes Project 0.00359; gnomAD 0.00449 and 0.00417; TOPMed 0.00550; 1000 Genomes Project 30x 0.00359.
gnomAD v4.1: 1,305 of 1,613,984 alleles (0.081%); highest among the groups gnomAD compares: African/African-American, 1.6%; 11 homozygotes.

Submissions (7):

Labcorp Genetics (formerly Invitae), Labcorp
Classification: Benign for Long QT syndrome. Last evaluated: 2026-02-03. Review status: criteria provided, single submitter. Criteria: Invitae Variant Classification Sherloc (09022015). Collection method: clinical testing. Allele origin: germline.

Molecular Diagnostic Laboratory for Inherited Cardiovascular Disease, Montreal Heart Institute
Classification: Benign. Last evaluated: 2025-04-09. Review status: criteria provided, single submitter. Criteria: ACMG Guidelines, 2015. Collection method: clinical testing. Allele origin: germline. Affected: no.

Women's Health and Genetics/Laboratory Corporation of America, LabCorp
Classification: Benign. Last evaluated: 2022-11-28. Review status: criteria provided, single submitter. Criteria: LabCorp Variant Classification Summary - May 2015. Collection method: clinical testing. Allele origin: germline.

ARUP Laboratories, Molecular Genetics and Genomics, ARUP Laboratories
Classification: Benign. Last evaluated: 2020-10-04. Review status: criteria provided, single submitter. Criteria: ARUP Molecular Germline Variant Investigation Process 2021. Collection method: clinical testing. Allele origin: germline.

Ambry Genetics
Classification: Benign for Cardiovascular phenotype. Last evaluated: 2015-08-07. Review status: criteria provided, single submitter. Criteria: Ambry Variant Classification Scheme 2023. Collection method: clinical testing. Allele origin: germline.

GeneDx
Classification: Benign. Last evaluated: 2015-03-14. Review status: criteria provided, single submitter. Criteria: GeneDx Variant Classification (06012015). Collection method: clinical testing. Allele origin: germline. Affected: yes.
Comment: This variant is considered likely benign or benign based on one or more of the following criteria: it is a conservative change, it occurs at a poorly conserved position in the protein, it is predicted to be benign by multiple in silico algorithms, and/or has population frequency not consistent with disease.

Breakthrough Genomics
Classification: Benign. Review status: criteria provided, single submitter. Criteria: ACMG Guidelines, 2015. Collection method: not provided. Allele origin: germline. Inheritance: Autosomal dominant inheritance. Affected: yes.